The following is an entry in ClinVar:

NM_198994.3(TGM6):c.543_543+4dup

Gene: TGM6 (transglutaminase 6; plus strand). Cytogenetic location: 20p13.
Variant type: Duplication.
Coding change: c.543_543+4dup on transcript NM_198994.3 (MANE Select); coding-DNA position 543 through 4 bases into the intron after coding-DNA position 543, 5 bases duplicated (GGTCT; older notation c.543_543+4dupGGTCT).
Molecular consequence: splice donor variant.
Genome position (GRCh38, 1-based): chr20:2,396,624-2,396,628, GGTCT duplicated. VCF-style (leftmost placement, unchanged base first): chr20-2396623-A-AGGTCT. GRCh37 (hg19) VCF-style: chr20-2377269-A-AGGTCT.
Other names: c.543_543+4dup (NM_001254734.2).
Identifiers: ClinVar variation 4978728 (VCV004978728.1).
Genomic context (GRCh38, chr20:2,396,623, plus strand): 5'-GCGGCATCATCTTCCGAGGCGTGGAGAAGCACATACGAGCCCAGGGCTGGAACTACGGGC[A>AGGTCT]GGTCTCCAGGGGCACAGGCCAGACAAGGATGTGGGCTGGGGCATGGGGAGGTCGGTGGGA-3'

ClinVar aggregate classification (germline): Uncertain significance (1 of 4 stars; one submission).

Conditions:
TGM6-related disorder. Also called: TGM6-related condition.

Submission:

PreventionGenetics, part of Exact Sciences
Classification: Uncertain significance for TGM6-related condition. Last evaluated: 2025-01-16. Review status: criteria provided, single submitter. Criteria: ACMG Guidelines, 2015. Collection method: clinical testing. Allele origin: germline.
Comment: The TGM6 c.543_543+4dup5 variant is predicted to result in a duplication affecting a canonical splice site. To our knowledge, this variant has not been reported in the literature. This variant is reported in 0.0023% of alleles in individuals of European (Non-Finnish) descent in gnomAD. At this time, the clinical significance of this variant is uncertain due to the absence of conclusive functional and genetic evidence.